The following is an entry in ClinVar:

NM_001023570.4(IQCB1):c.980G>A (p.Ser327Asn)

Gene: IQCB1 (IQ motif containing B1; minus strand). Cytogenetic location: 3q13.33.
Variant type: single nucleotide variant.
Coding change: c.980G>A on transcript NM_001023570.4 (MANE Select); coding-DNA position 980, G replaced by A.
Protein change: p.Ser327Asn; replaces serine 327 with asparagine.
Molecular consequence: missense variant. On other transcripts: intron variant (1).
Genome position (GRCh38, 1-based): chr3:121,795,463, C>T on the plus strand (G>A on the coding strand, the complement: IQCB1 is on the minus strand). VCF-style: chr3-121795463-C-T. GRCh37 (hg19) VCF-style: chr3-121514310-C-T.
Other names: c.980G>A, p.Ser327Asn (NM_001319107.2); c.588-5248G>A (NM_001023571.4); short protein forms S327N.
Identifiers: ClinVar variation 1475206 (VCV001475206.5), dbSNP rs377493667, ClinGen allele CA2567237.

ClinVar aggregate classification (germline): Uncertain significance (1 of 4 stars; one submission).

Conditions:
Nephronophthisis. Also called: Juvenile Nephronophthisis. Identifiers: Orphanet 655, MedGen C0687120, MONDO:0019005, HP:0000090.

Allele frequency attached by ClinVar (database versions not stated): gnomAD 0.00001; gnomAD exomes 0.00001 and 0.00002; ESP Exome Variant Server 0.00008; TOPMed 0.00001; ExAC 0.00002.
gnomAD v4.1: 32 of 1,583,224 alleles (0.002%); highest among the groups gnomAD compares: Non-Finnish European, 0.0025%; no homozygotes.

Submission:

Labcorp Genetics (formerly Invitae), Labcorp
Classification: Uncertain significance for Nephronophthisis. Last evaluated: 2022-02-08. Review status: criteria provided, single submitter. Criteria: Invitae Variant Classification Sherloc (09022015). Collection method: clinical testing. Allele origin: germline.
Comment: This sequence change replaces serine, which is neutral and polar, with asparagine, which is neutral and polar, at codon 327 of the IQCB1 protein (p.Ser327Asn). This variant is present in population databases (rs377493667, gnomAD 0.003%). This variant has not been reported in the literature in individuals affected with IQCB1-related conditions. Algorithms developed to predict the effect of missense changes on protein structure and function output the following: SIFT: "Deleterious"; PolyPhen-2: "Benign"; Align-GVGD: "Class C0". The asparagine amino acid residue is found in multiple mammalian species, which suggests that this missense change does not adversely affect protein function. In summary, the available evidence is currently insufficient to determine the role of this variant in disease. Therefore, it has been classified as a Variant of Uncertain Significance.